The following is an entry in ClinVar:

ClinVar aggregate classification (germline): Likely benign (0 of 4 stars; one submission).

Conditions:
SEMA3C-related disorder. Also called: SEMA3C-related condition.

gnomAD v4.1: 31 of 1,611,776 alleles (0.0019%); highest among the groups gnomAD compares: Non-Finnish European, 0.0025%; no homozygotes.

Submission:

PreventionGenetics, part of Exact Sciences
Classification: Likely benign for SEMA3C-related condition. Last evaluated: 2023-01-30. Review status: no assertion criteria provided. Collection method: clinical testing. Allele origin: germline.
Comment: This variant is classified as likely benign based on ACMG/AMP sequence variant interpretation guidelines (Richards et al. 2015 PMID: 25741868, with internal and published modifications).

NM_006379.5(SEMA3C):c.153T>G (p.Pro51=)

Gene: SEMA3C (semaphorin 3C; minus strand). Cytogenetic location: 7q21.11.
Variant type: single nucleotide variant.
Coding change: c.153T>G on transcript NM_006379.5 (MANE Select); coding-DNA position 153, T replaced by G.
Protein change: p.Pro51=; no amino-acid change (proline 51 retained).
Molecular consequence: synonymous variant. On other transcripts: 5 prime UTR variant (1).
Genome position (GRCh38, 1-based): chr7:80,828,696, A>C on the plus strand (T>G on the coding strand, the complement: SEMA3C is on the minus strand). VCF-style: chr7-80828696-A-C. GRCh37 (hg19) VCF-style: chr7-80458012-A-C.
Other names: c.207T>G, p.Pro69= (NM_001350120.2); c.-22T>G (NM_001350121.2).
Identifiers: ClinVar variation 3357105 (VCV003357105.1).